The following is an entry in ClinVar:

ClinVar aggregate classification (germline): Uncertain significance. Review status: criteria provided, multiple submitters, no conflicts (2 of 4 stars). 2 submissions from 2 submitters: Uncertain significance (2). Last evaluated 2022-10-17.

Conditions:
Immunodeficiency 14 (IMD14A). Also called: p110-DELTA-ACTIVATING MUTATION CAUSING SENESCENT T CELLS, LYMPHADENOPATHY, AND IMMUNODEFICIENCY; Activated PI3K Delta Syndrome Type 1 (APDS1); ACTIVATED PI3K-DELTA SYNDROME 1; IMMUNODEFICIENCY 14A WITH LYMPHOPROLIFERATION, AUTOSOMAL DOMINANT. Identifiers: Orphanet 397596, Orphanet 693661, MedGen C5907821, MONDO:0014222, OMIM 615513.

Allele frequency attached by ClinVar (database versions not stated): gnomAD exomes below 0.00001; TOPMed 0.00001; gnomAD 0.00001.
gnomAD v4.1: 2 of 1,610,968 alleles (0.00012%); highest among the groups gnomAD compares: Non-Finnish European, 0.00017%; no homozygotes.

Submissions (2):

GeneDx
Classification: Uncertain significance. Last evaluated: 2022-10-17. Review status: criteria provided, single submitter. Criteria: GeneDx Variant Classification Process June 2021. Collection method: clinical testing. Allele origin: germline. Affected: yes.
Comment: Not observed at significant frequency in large population cohorts (gnomAD); In silico analysis supports that this missense variant does not alter protein structure/function; Has not been previously published as pathogenic or benign to our knowledge

Labcorp Genetics (formerly Invitae), Labcorp
Classification: Uncertain significance for Activated PI3K-delta syndrome. Last evaluated: 2021-08-27. Review status: criteria provided, single submitter. Criteria: Invitae Variant Classification Sherloc (09022015). Collection method: clinical testing. Allele origin: germline.
Comment: This sequence change replaces alanine with serine at codon 220 of the PIK3CD protein (p.Ala220Ser). The alanine residue is highly conserved and there is a moderate physicochemical difference between alanine and serine. This variant is not present in population databases (ExAC no frequency). This variant has not been reported in the literature in individuals affected with PIK3CD-related conditions. Algorithms developed to predict the effect of missense changes on protein structure and function are either unavailable or do not agree on the potential impact of this missense change (SIFT: "Tolerated"; PolyPhen-2: "Probably Damaging"; Align-GVGD: "Class C0"). In summary, the available evidence is currently insufficient to determine the role of this variant in disease. Therefore, it has been classified as a Variant of Uncertain Significance.

NM_005026.5(PIK3CD):c.658G>T (p.Ala220Ser)

Gene: PIK3CD (phosphatidylinositol-4,5-bisphosphate 3-kinase catalytic subunit delta; plus strand). Cytogenetic location: 1p36.22.
Variant type: single nucleotide variant.
Coding change: c.658G>T on transcript NM_005026.5 (MANE Select); coding-DNA position 658, G replaced by T.
Protein change: p.Ala220Ser; replaces alanine 220 with serine.
Molecular consequence: missense variant.
Genome position (GRCh38, 1-based): chr1:9,716,497, G>T. VCF-style: chr1-9716497-G-T. GRCh37 (hg19) VCF-style: chr1-9776555-G-T.
Other names: c.658G>T, p.Ala220Ser (NM_001350234.2, NM_001350235.1); short protein forms A220S.
Identifiers: ClinVar variation 854398 (VCV000854398.8), dbSNP rs1287665655, ClinGen allele CA338301102.